The following is an entry in ClinVar:

ClinVar aggregate classification (germline): Uncertain significance (1 of 4 stars; one submission).

Submission:

Dasa
Classification: Uncertain significance. Last evaluated: 2025-07-13. Review status: criteria provided, single submitter. Criteria: DASA Assertion Criteria. Collection method: clinical testing. Allele origin: germline.
Comment: NM_022841.7(RFX7):c.2860C>T (p.Pro954Ser) is a missense variant that results in the substitution of proline with serine. This variant is absent from population databases. Computational prediction algorithms are consistent with a benign effect. The currently available literature and clinical evidence are not sufficient to establish a definitive association between this variant and the reported condition. Therefore, this variant is classified as a variant of uncertain significance.

NM_022841.7(RFX7):c.2860C>T (p.Pro954Ser)

Gene: RFX7 (regulatory factor X7; minus strand). Cytogenetic location: 15q21.3.
Variant type: single nucleotide variant.
Coding change: c.2860C>T on transcript NM_022841.7 (MANE Select); coding-DNA position 2860, C replaced by T.
Protein change: p.Pro954Ser; replaces proline 954 with serine.
Molecular consequence: missense variant.
Genome position (GRCh38, 1-based): chr15:56,094,868, G>A on the plus strand (C>T on the coding strand, the complement: RFX7 is on the minus strand). VCF-style: chr15-56094868-G-A. GRCh37 (hg19) VCF-style: chr15-56387066-G-A.
Other names: c.2569C>T, p.Pro857Ser (NM_001368073.2, NM_001368074.1, NM_001370554.1); c.2860C>T, p.Pro954Ser (NM_001370561.1); short protein forms P857S, P954S.
Identifiers: ClinVar variation 4883073 (VCV004883073.2).